The following is an entry in ClinVar:

ClinVar aggregate classification (germline): Pathogenic/Likely pathogenic. Review status: criteria provided, multiple submitters, no conflicts (2 of 4 stars). 2 submissions from 2 submitters: Pathogenic (1); Likely pathogenic (1). Last evaluated 2025-01-09.

Conditions:
Pituitary adenoma 5, multiple types. Identifiers: MedGen C4539685, MONDO:0054601, OMIM 617540.
Usher syndrome type 1D (USH1D). Also called: USHER SYNDROME, TYPE ID. Identifiers: Orphanet 231169, Orphanet 886, MedGen C1832845, MONDO:0010984, OMIM 601067.
Autosomal recessive nonsyndromic hearing loss 12. Also called: DEAFNESS, AUTOSOMAL RECESSIVE 12. Identifiers: Orphanet 90636, MedGen C1832394, MONDO:0011067, OMIM 601386.

Submissions (2):

Institute of Rare Diseases, West China Hospital, Sichuan University
Classification: Pathogenic for Autosomal recessive nonsyndromic hearing loss 12. Last evaluated: 2025-01-09. Review status: criteria provided, single submitter. Criteria: ClinGen HL ACMG Specifications v1. Collection method: research. Allele origin: germline. Affected: yes.
Comment: PVS1;PM2_Supporting;PS1

Juno Genomics, Hangzhou Juno Genomics, Inc
Classification: Likely pathogenic for Pituitary adenoma 5, multiple types; Autosomal recessive nonsyndromic hearing loss 12; Usher syndrome type 1D. Review status: criteria provided, single submitter. Criteria: ACMG Guidelines, 2015. Collection method: clinical testing. Allele origin: germline.
Comment: Null variant in a gene where loss of function (LOF) is a known mechanism of disease.;Absent from controls (or at extremely low frequency if recessive) in Genome Aggregation Database.

NM_022124.6(CDH23):c.2333G>A (p.Trp778Ter)

Gene: CDH23 (cadherin related 23; plus strand). Cytogenetic location: 10q22.1.
Variant type: single nucleotide variant.
Coding change: c.2333G>A on transcript NM_022124.6 (MANE Select); coding-DNA position 2333, G replaced by A.
Protein change: p.Trp778Ter; replaces tryptophan 778 with a stop codon.
Molecular consequence: nonsense.
Genome position (GRCh38, 1-based): chr10:71,695,461, G>A. VCF-style: chr10-71695461-G-A. GRCh37 (hg19) VCF-style: chr10-73455218-G-A.
Other names: c.2333G>A, p.Trp778Ter (NM_001171930.2, NM_001171931.2); short protein forms W778*.
Identifiers: ClinVar variation 3601185 (VCV003601185.3).